The following is an entry in ClinVar:

ClinVar aggregate classification (germline): Benign (1 of 4 stars; one submission).

Conditions:
Ehlers-Danlos syndrome, classic type, 2 (EDSCL2). Also called: Ehlers-Danlos syndrome, type 2; Ehlers-Danlos syndrome type 2 (formerly); Ehlers-Danlos Syndrome, Classic Type, COL5A2-Related. Identifiers: Orphanet 287, Orphanet 90318, MedGen C0268336, MONDO:0019568, OMIM 130010.

Allele frequency attached by ClinVar (database versions not stated): 1000 Genomes Project 0.04872; 1000 Genomes Project 30x 0.04934; gnomAD exomes 0.04957; TOPMed 0.05804; gnomAD 0.05623 and 0.05878.
gnomAD v4.1: 8,574 of 151,718 alleles (5.7%); highest among the groups gnomAD compares: African/African-American, 9.6%; 255 homozygotes.

Submission:

Illumina Laboratory Services, Illumina
Classification: Benign for Ehlers-Danlos syndrome, classic type, 2. Last evaluated: 2018-01-13. Review status: criteria provided, single submitter. Criteria: ICSL Variant Classification Criteria 13 December 2019. Collection method: clinical testing. Allele origin: germline.
Comment: This variant was observed in the ICSL laboratory as part of a predisposition screen in an ostensibly healthy population. It had not been previously curated by ICSL or reported in the Human Gene Mutation Database (HGMD: prior to June 1st, 2018), and was therefore a candidate for classification through an automated scoring system. Utilizing variant allele frequency, disease prevalence and penetrance estimates, and inheritance mode, an automated score was calculated to assess if this variant is too frequent to cause the disease. Based on the score and internal cut-off values, a variant classified as benign is not then subjected to further curation. The score for this variant resulted in a classification of benign for this disease.

NM_000393.5(COL5A2):c.*639G>A

Gene: COL5A2 (collagen type V alpha 2 chain; minus strand). Cytogenetic location: 2q32.2.
Variant type: single nucleotide variant.
Coding change: c.*639G>A on transcript NM_000393.5 (MANE Select); 639 bases downstream of the stop codon, G replaced by A.
Molecular consequence: 3 prime UTR variant.
Genome position (GRCh38, 1-based): chr2:189,033,431, C>T on the plus strand (G>A on the coding strand, the complement: COL5A2 is on the minus strand). VCF-style: chr2-189033431-C-T. GRCh37 (hg19) VCF-style: chr2-189898157-C-T.
Identifiers: ClinVar variation 333116 (VCV000333116.6), dbSNP rs73981487, ClinGen allele CA10612193.
Genomic context (GRCh38, chr2:189,033,431, plus strand): 5'-CTTATAGTCTTTTACAAAAATTTAAGAAGTCGAAGTAAATTCACTTTGTTCTCCAAAATG[C>T]CACTGAATATATACTATTTAAAAATTCTATTTAAGACAGTGAGAAACGTTTTTTTTTTTT-3'